The following is an entry in ClinVar:

ClinVar aggregate classification (germline): Pathogenic (1 of 4 stars; one submission).

Conditions:
Inborn genetic diseases. Identifiers: MedGen C0950123, MeSH D030342.

Submission:

Ambry Genetics
Classification: Pathogenic for Inborn genetic diseases. Last evaluated: 2021-03-15. Review status: criteria provided, single submitter. Criteria: Ambry Variant Classification Scheme 2023. Collection method: clinical testing. Allele origin: germline.
Comment: The c.6635dupC pathogenic mutation, located in coding exon 36 of the SPG11 gene, results from a duplication of C at nucleotide position 6635, causing a translational frameshift with a predicted alternate stop codon (p.G2213Wfs*4). This alteration is expected to result in loss of function by premature protein truncation or nonsense-mediated mRNA decay. As such, this alteration is interpreted as a disease-causing mutation.

NM_025137.4(SPG11):c.6635dup (p.Gly2213fs)

Gene: SPG11 (SPG11 vesicle trafficking associated, spatacsin; minus strand). Cytogenetic location: 15q21.1.
Variant type: Duplication.
Coding change: c.6635dup on transcript NM_025137.4 (MANE Select); coding-DNA position 6635, one base duplicated (C; older notation c.6635dupC).
Protein change: p.Gly2213fs; shifts the reading frame from glycine 2213.
Molecular consequence: frameshift variant.
Genome position (GRCh38, 1-based): chr15:44,567,543, G duplicated on the plus strand (C on the coding strand, the reverse complement: SPG11 is on the minus strand); the first of 2 consecutive G bases (chr15:44,567,543-44,567,544); duplicating either gives the same sequence. VCF-style (leftmost placement, unchanged base first): chr15-44567542-A-AG. GRCh37 (hg19) VCF-style: chr15-44859740-A-AG.
Other names: c.6296dup, p.Gly2100fs (NM_001160227.2); c.6490dup, p.Gly2165Trpfs (NM_001411132.1); short protein forms G2100fs, G2213fs.
Identifiers: ClinVar variation 1754587 (VCV001754587.2), dbSNP rs2505186780, ClinGen allele CA2580089489.
Genomic context (GRCh38, chr15:44,567,542, plus strand): 5'-GCCAATCTCCCGGCACATGCTGAAGCACAGGGCAATCATATTGTGCTTTTCACTGTCTCC[A>AG]GGACGGCAGCGTTTGATGTAGTCCAGCAGGGCTGTTTTCAGGGTACCACTCTGCCCAGAA-3'